The following is an entry in ClinVar:

NM_139076.3(ABRAXAS1):c.113A>C (p.Lys38Thr)

Gene: ABRAXAS1 (abraxas 1, BRCA1 A complex subunit; minus strand). Cytogenetic location: 4q21.23.
Variant type: single nucleotide variant.
Coding change: c.113A>C on transcript NM_139076.3 (MANE Select); coding-DNA position 113, A replaced by C.
Protein change: p.Lys38Thr; replaces lysine 38 with threonine.
Molecular consequence: missense variant. On other transcripts: 5 prime UTR variant (1).
Genome position (GRCh38, 1-based): chr4:83,482,219, T>G on the plus strand (A>C on the coding strand, the complement: ABRAXAS1 is on the minus strand). VCF-style: chr4-83482219-T-G. GRCh37 (hg19) VCF-style: chr4-84403372-T-G.
Other names: c.-148A>C (NM_001345962.2); short protein forms K38T.
Identifiers: ClinVar variation 839759 (VCV000839759.10), dbSNP rs1723021960, ClinGen allele CA357263320.
Genomic context (GRCh38, chr4:83,482,219, plus strand): 5'-GTATAAACAACTTCAACATCATCCATTTGGGAATCAGTAATGCTGTTCTTGGCTTCACCT[T>G]TTACTTCCCCAAGAAGAAAACCTTCCTATGAAGATAAAGAGGCAATATATAGAATACACT-3'
Protein context (NP_620775.2, residues 28-48): DTEGFLLGEV[Lys38Thr]GEAKNSITDS

ClinVar aggregate classification (germline): Uncertain significance. Review status: criteria provided, multiple submitters, no conflicts (2 of 4 stars). 2 submissions from 2 submitters: Uncertain significance (2). Last evaluated 2025-02-02.

Allele frequency attached by ClinVar (database versions not stated): gnomAD exomes below 0.00001.
gnomAD v4.1: 2 of 1,611,862 alleles (0.00012%); highest among the groups gnomAD compares: Non-Finnish European, 0.00017%; no homozygotes.

Submissions (2):

Ambry Genetics
Classification: Uncertain significance. Last evaluated: 2025-02-02. Review status: criteria provided, single submitter. Criteria: Ambry Variant Classification Scheme 2023. Collection method: clinical testing. Allele origin: germline.
Comment: The p.K38T variant (also known as c.113A>C), located in coding exon 2 of the FAM175A gene, results from an A to C substitution at nucleotide position 113. The lysine at codon 38 is replaced by threonine, an amino acid with similar properties. This amino acid position is conserved. In addition, this alteration is predicted to be tolerated by in silico analysis. Based on the available evidence, the clinical significance of this variant remains unclear.

Labcorp Genetics (formerly Invitae), Labcorp
Classification: Uncertain significance. Last evaluated: 2019-01-21. Review status: criteria provided, single submitter. Criteria: Invitae Variant Classification Sherloc (09022015). Collection method: clinical testing. Allele origin: germline.
Comment: In summary, the available evidence is currently insufficient to determine the role of this variant in disease. Therefore, it has been classified as a Variant of Uncertain Significance. Algorithms developed to predict the effect of missense changes on protein structure and function are either unavailable or do not agree on the potential impact of this missense change (SIFT: "Tolerated"; PolyPhen-2: "Possibly Damaging"; Align-GVGD: "Class C0"). This variant has not been reported in the literature in individuals with ABRAXAS1-related conditions. This variant is not present in population databases (ExAC no frequency). This sequence change replaces lysine with threonine at codon 38 of the ABRAXAS1 protein (p.Lys38Thr). The lysine residue is highly conserved and there is a moderate physicochemical difference between lysine and threonine.